The following is an entry in ClinVar:

ClinVar aggregate classification (germline): Uncertain significance. Review status: criteria provided, multiple submitters, no conflicts (2 of 4 stars). 2 submissions from 2 submitters: Uncertain significance (2). Last evaluated 2026-09-19.

Conditions:
TRPC5-related disorder. Also called: TRPC5-related condition.

gnomAD v4.1: 3 of 1,206,869 alleles (0.00025%); highest among the groups gnomAD compares: Admixed American, 0.0044%; no homozygotes.

Submissions (2):

PreventionGenetics, part of Exact Sciences
Classification: Uncertain significance for TRPC5-related condition. Last evaluated: 2026-09-19. Review status: criteria provided, single submitter. Criteria: ACMG Guidelines, 2015. Collection method: clinical testing. Allele origin: germline.
Comment: The TRPC5 c.1375A>G variant is predicted to result in the amino acid substitution p.Lys459Glu. To our knowledge, this variant has not been reported in the literature. This variant is reported in 0.0039% of alleles in individuals of Latino descent in gnomAD. At this time, the clinical significance of this variant is uncertain due to the absence of conclusive functional and genetic evidence.

Ambry Genetics
Classification: Uncertain significance. Last evaluated: 2025-02-25. Review status: criteria provided, single submitter. Criteria: Ambry Variant Classification Scheme 2023. Collection method: clinical testing. Allele origin: germline.

NM_012471.3(TRPC5):c.1375A>G (p.Lys459Glu)

Gene: TRPC5 (transient receptor potential cation channel subfamily C member 5; minus strand). Cytogenetic location: Xq23.
Variant type: single nucleotide variant.
Coding change: c.1375A>G on transcript NM_012471.3 (MANE Select); coding-DNA position 1375, A replaced by G.
Protein change: p.Lys459Glu; replaces lysine 459 with glutamic acid.
Molecular consequence: missense variant.
Genome position (GRCh38, 1-based): chrX:111,852,300, T>C on the plus strand (A>G on the coding strand, the complement: TRPC5 is on the minus strand). VCF-style: chrX-111852300-T-C. GRCh37 (hg19) VCF-style: chrX-111095528-T-C.
Other names: short protein forms K459E.
Identifiers: ClinVar variation 3354653 (VCV003354653.3).
Genomic context (GRCh38, chrX:111,852,300, plus strand): 5'-AAAAGCTTAATGTAGCCAAAATCGCTGTGTAGGAAATATGGCAGACATTCCAATTTACCT[T>C]GACATAGGCCACAATCTTCAGGGAAATAGTTGCCAGGTAGAGGGAGTTCATTGCAAAATC-3'
Protein context (NP_036603.1, residues 449-469): TISLKIVAYV[Lys459Glu]YNGSRPREEW